The following is an entry in ClinVar:

NM_001278116.2(L1CAM):c.1268-2A>T

Gene: L1CAM (L1 cell adhesion molecule; minus strand). Cytogenetic location: Xq28.
Variant type: single nucleotide variant.
Coding change: c.1268-2A>T on transcript NM_001278116.2 (MANE Select); the canonical splice acceptor site of the intron before coding-DNA position 1268, A replaced by T.
Molecular consequence: splice acceptor variant.
Genome position (GRCh38, 1-based): chrX:153,868,954, T>A on the plus strand (A>T on the coding strand, the complement: L1CAM is on the minus strand). VCF-style: chrX-153868954-T-A. GRCh37 (hg19) VCF-style: chrX-153134409-T-A.
Other names: c.1253-2A>T (NM_001143963.2); c.1268-2A>T (NM_024003.3, NM_000425.5).
Identifiers: ClinVar variation 3377355 (VCV003377355.3).

ClinVar aggregate classification (germline): Pathogenic (1 of 4 stars; one submission).

Conditions:
L1 syndrome. Identifiers: Orphanet 275543, MedGen C5779710, MONDO:0017140.

Submission:

Victorian Clinical Genetics Services, Murdoch Childrens Research Institute
Classification: Pathogenic for L1 syndrome. Last evaluated: 2025-02-18. Review status: criteria provided, single submitter. Criteria: ACMG Guidelines, 2015. Collection method: clinical testing. Allele origin: germline.
Comment: This variant is classified as Pathogenic. Evidence in support of pathogenic classification: Canonical splice site variant without proven consequence on splicing (no functional evidence available); Variant is absent from gnomAD (v2, v3 and v4); This variant has limited previous evidence of pathogenicity in an unrelated individual. Another canonical splice site variant comparable to the one identified in this case has limited previous evidence for pathogenicity. It has been reported in an individual with hydrocephalus and adducted thumbs (PMID: 19846429). In addition, it has been reported once as pathogenic by a clinical laboratory (ClinVar); Abnormal splicing is predicted by in silico tools and affected nucleotide is highly conserved. Additional information: This variant is heterozygous; This gene is associated with X-linked recessive disease; No published segregation evidence has been identified for this variant; No published functional evidence has been identified for this variant; Loss of function is a known mechanism of disease in this gene and is associated with partial agenesis of corpus callosum (MIM#304100), congenital hydrocephalus (MIM#307000), and MASA syndrome (MIM#303350); Variants in this gene are known to have variable expressivity. Both interfamilial and intrafamilial variability have been reported (PMID: 7562969, 16650080).

Literature cited by the submitters: PubMed 19846429; PubMed 16650080; PubMed 7562969; PubMed 11438988.